The following is an entry in ClinVar:

ClinVar aggregate classification (germline): Uncertain significance. Review status: criteria provided, multiple submitters, no conflicts (2 of 4 stars). 3 submissions from 3 submitters: Uncertain significance (3). Last evaluated 2024-08-13.

Allele frequency attached by ClinVar (database versions not stated): gnomAD 0.00005 and 0.00006; TOPMed 0.00005; gnomAD exomes 0.00007; ExAC 0.00011.

Submissions (3):

Labcorp Genetics (formerly Invitae), Labcorp
Classification: Uncertain significance. Last evaluated: 2024-08-13. Review status: criteria provided, single submitter. Criteria: Invitae Variant Classification Sherloc (09022015). Collection method: clinical testing. Allele origin: germline.
Comment: This sequence change replaces glycine, which is neutral and non-polar, with glutamic acid, which is acidic and polar, at codon 61 of the MARS2 protein (p.Gly61Glu). This variant is present in population databases (rs200481336, gnomAD 0.02%). This variant has not been reported in the literature in individuals affected with MARS2-related conditions. ClinVar contains an entry for this variant (Variation ID: 1327164). Invitae Evidence Modeling of protein sequence and biophysical properties (such as structural, functional, and spatial information, amino acid conservation, physicochemical variation, residue mobility, and thermodynamic stability) indicates that this missense variant is expected to disrupt MARS2 protein function with a positive predictive value of 80%. In summary, the available evidence is currently insufficient to determine the role of this variant in disease. Therefore, it has been classified as a Variant of Uncertain Significance.

Ambry Genetics
Classification: Uncertain significance. Last evaluated: 2023-08-19. Review status: criteria provided, single submitter. Criteria: Ambry Variant Classification Scheme 2023. Collection method: clinical testing. Allele origin: germline.

GeneDx
Classification: Uncertain significance. Last evaluated: 2021-06-02. Review status: criteria provided, single submitter. Criteria: GeneDx Variant Classification Process June 2021. Collection method: clinical testing. Allele origin: germline. Affected: yes.

NM_138395.4(MARS2):c.182G>A (p.Gly61Glu)

Genes: MARS2 (methionyl-tRNA synthetase 2, mitochondrial; plus strand), LOC129935365 (ATAC-STARR-seq lymphoblastoid active region 16942; plus strand). Cytogenetic location: 2q33.1.
Variant type: single nucleotide variant.
Coding change: c.182G>A on transcript NM_138395.4 (MANE Select); coding-DNA position 182, G replaced by A.
Protein change: p.Gly61Glu; replaces glycine 61 with glutamic acid.
Molecular consequence: missense variant.
Genome position (GRCh38, 1-based): chr2:197,705,587, G>A. VCF-style: chr2-197705587-G-A. GRCh37 (hg19) VCF-style: chr2-198570311-G-A.
Other names: short protein forms G61E.
Identifiers: ClinVar variation 1327164 (VCV001327164.8), dbSNP rs200481336, ClinGen allele CA2044534.
Genomic context (GRCh38, chr2:197,705,587, plus strand): 5'-GTGATGTGCGCGCCTACTTCACTACACCCATTTTCTACGTGAACGCGGCGCCGCACATCG[G>A]GCACCTGTACTCGGCACTACTGGCGGACGCCCTATGCCGCCACCGTCGCCTCCGAGGTCC-3'
Protein context (NP_612404.1, residues 51-71): IFYVNAAPHI[Gly61Glu]HLYSALLADA